The following is an entry in ClinVar:

ClinVar aggregate classification (germline): Uncertain significance. Review status: criteria provided, multiple submitters, no conflicts (2 of 4 stars). 4 submissions from 4 submitters: Uncertain significance (4). Last evaluated 2025-05-22.

Conditions:
RYR1-related disorder. Also called: RYR1-related disorders; RYR1-related condition. Identifiers: MedGen CN239331.
Inborn genetic diseases. Identifiers: MedGen C0950123, MeSH D030342.

Submissions (4):

Ambry Genetics
Classification: Uncertain significance for Inborn genetic diseases. Last evaluated: 2025-05-22. Review status: criteria provided, single submitter. Criteria: Ambry Variant Classification Scheme 2023. Collection method: clinical testing. Allele origin: germline.

Labcorp Genetics (formerly Invitae), Labcorp
Classification: Uncertain significance for RYR1-related disorder. Last evaluated: 2025-03-31. Review status: criteria provided, single submitter. Criteria: Invitae Variant Classification Sherloc (09022015). Collection method: clinical testing. Allele origin: germline.
Comment: This sequence change replaces glutamic acid, which is acidic and polar, with lysine, which is basic and polar, at codon 3352 of the RYR1 protein (p.Glu3352Lys). This variant is not present in population databases (gnomAD no frequency). This variant has not been reported in the literature in individuals affected with RYR1-related conditions. ClinVar contains an entry for this variant (Variation ID: 1361018). Invitae Evidence Modeling of protein sequence and biophysical properties (such as structural, functional, and spatial information, amino acid conservation, physicochemical variation, residue mobility, and thermodynamic stability) indicates that this missense variant is not expected to disrupt RYR1 protein function with a negative predictive value of 80%. In summary, the available evidence is currently insufficient to determine the role of this variant in disease. Therefore, it has been classified as a Variant of Uncertain Significance.

Blueprint Genetics
Classification: Uncertain significance. Last evaluated: 2024-06-12. Review status: criteria provided, single submitter. Criteria: ACMG Guidelines, 2015. Collection method: clinical testing. Allele origin: germline.

Revvity Omics, Revvity
Classification: Uncertain significance. Last evaluated: 2021-06-10. Review status: criteria provided, single submitter. Criteria: ACMG Guidelines, 2015. Collection method: clinical testing. Allele origin: germline.

NM_000540.3(RYR1):c.10054G>A (p.Glu3352Lys)

Gene: RYR1 (ryanodine receptor 1; plus strand). Cytogenetic location: 19q13.2.
Variant type: single nucleotide variant.
Coding change: c.10054G>A on transcript NM_000540.3 (MANE Select); coding-DNA position 10054, G replaced by A.
Protein change: p.Glu3352Lys; replaces glutamic acid 3352 with lysine.
Molecular consequence: missense variant.
Genome position (GRCh38, 1-based): chr19:38,519,249, G>A. VCF-style: chr19-38519249-G-A. GRCh37 (hg19) VCF-style: chr19-39009889-G-A.
Other names: c.10054G>A, p.Glu3352Lys (NM_001042723.2); c.10054G>A (NM_000540.2); short protein forms E3352K.
Identifiers: ClinVar variation 1361018 (VCV001361018.12), dbSNP rs2145688597, ClinGen allele CA405694769.